The following is an entry in ClinVar:

ClinVar aggregate classification (germline): Benign/Likely benign. Review status: criteria provided, multiple submitters, no conflicts (2 of 4 stars). 3 submissions from 3 submitters: Benign (1); Likely benign (2). Last evaluated 2025-12-26.

Conditions:
GANAB-related disorder. Also called: GANAB-related condition.

gnomAD v4.1: 214 of 1,613,540 alleles (0.013%); highest among the groups gnomAD compares: East Asian, 0.35%; 1 homozygote.

Submissions (3):

PreventionGenetics, part of Exact Sciences
Classification: Likely benign for GANAB-related condition. Last evaluated: 2025-12-26. Review status: criteria provided, single submitter. Criteria: ACMG Guidelines, 2015. Collection method: clinical testing. Allele origin: germline.
Comment: This variant is classified as likely benign based on ACMG/AMP sequence variant interpretation guidelines (Richards et al. 2015 PMID: 25741868, with internal and published modifications).

Labcorp Genetics (formerly Invitae), Labcorp
Classification: Benign. Last evaluated: 2025-03-28. Review status: criteria provided, single submitter. Criteria: Invitae Variant Classification Sherloc (09022015). Collection method: clinical testing. Allele origin: germline.

Blueprint Genetics
Classification: Likely benign. Last evaluated: 2021-07-14. Review status: criteria provided, single submitter. Criteria: ACMG Guidelines, 2015. Collection method: clinical testing. Allele origin: germline.

NM_198334.3(GANAB):c.203A>G (p.Gln68Arg)

Gene: GANAB (glucosidase II alpha subunit; minus strand). Cytogenetic location: 11q12.3.
Variant type: single nucleotide variant.
Coding change: c.203A>G on transcript NM_198334.3 (MANE Select); coding-DNA position 203, A replaced by G.
Protein change: p.Gln68Arg; replaces glutamine 68 with arginine.
Molecular consequence: missense variant. On other transcripts: 5 prime UTR variant (4), intron variant (3).
Genome position (GRCh38, 1-based): chr11:62,639,408, T>C on the plus strand (A>G on the coding strand, the complement: GANAB is on the minus strand). VCF-style: chr11-62639408-T-C. GRCh37 (hg19) VCF-style: chr11-62406880-T-C.
Other names: c.-574A>G (NM_001329225.2, NM_001329224.2); c.203A>G, p.Gln68Arg (NM_198335.4); c.39-4408A>G (NM_001278193.2, NM_001278192.2); c.-40+219A>G (NM_001278194.2); c.-89A>G (NM_001329222.2, NM_001329223.2); c.203A>G (NM_198335.3); short protein forms Q68R.
Identifiers: ClinVar variation 4706349 (VCV004706349.3).